The following is an entry in ClinVar:

ClinVar aggregate classification (germline): Pathogenic (1 of 4 stars; one submission).

Submission:

Labcorp Genetics (formerly Invitae), Labcorp
Classification: Pathogenic. Last evaluated: 2022-10-27. Review status: criteria provided, single submitter. Criteria: Invitae Variant Classification Sherloc (09022015). Collection method: clinical testing. Allele origin: germline.
Comment: ClinVar contains an entry for this variant (Variation ID: 1323809). This variant is also known as del5833 and fs F1840L, L1869X . This premature translational stop signal has been observed in individual(s) with clinical features of ABCA1-related conditions (PMID: 16343503). This variant is not present in population databases (gnomAD no frequency). This sequence change creates a premature translational stop signal (p.Phe1840Leufs*30) in the ABCA1 gene. It is expected to result in an absent or disrupted protein product. Loss-of-function variants in ABCA1 are known to be pathogenic (PMID: 10525055, 10760292, 20880529). For these reasons, this variant has been classified as Pathogenic.

Literature cited by the submitters: PubMed 16343503; PubMed 10525055; PubMed 10760292; PubMed 20880529.

NM_005502.4(ABCA1):c.5520del (p.Phe1840fs)

Gene: ABCA1 (ATP binding cassette subfamily A member 1; minus strand). Cytogenetic location: 9q31.1.
Variant type: Deletion.
Coding change: c.5520del on transcript NM_005502.4 (MANE Select); coding-DNA position 5520, one base deleted (T; older notation c.5520delT).
Protein change: p.Phe1840fs; shifts the reading frame from phenylalanine 1840.
Molecular consequence: frameshift variant.
Genome position (GRCh38, 1-based): chr9:104,793,287, A deleted on the plus strand (T on the coding strand, the reverse complement: ABCA1 is on the minus strand); the first of 3 consecutive A bases (chr9:104,793,287-104,793,289); deleting any one gives the same sequence. VCF-style (leftmost placement, unchanged base first): chr9-104793286-CA-C. GRCh37 (hg19) VCF-style: chr9-107555567-CA-C.
Other names: short protein forms F1840fs.
Identifiers: ClinVar variation 2735311 (VCV002735311.3), dbSNP rs2118864687, ClinGen allele CA2573053077.